The following is an entry in ClinVar:

NM_001002295.2(GATA3):c.430_431delinsT (p.Gly144fs)

Gene: GATA3 (GATA binding protein 3; plus strand). Cytogenetic location: 10p14.
Variant type: Indel.
Coding change: c.430_431delinsT on transcript NM_001002295.2 (MANE Select); coding-DNA positions 430 to 431, GG replaced by T.
Protein change: p.Gly144fs; shifts the reading frame from glycine 144.
Molecular consequence: frameshift variant.
Genome position (GRCh38, 1-based): chr10:8,058,493-8,058,494, GG replaced by T. VCF-style: chr10-8058493-GG-T. GRCh37 (hg19) VCF-style: chr10-8100456-GG-T.
Other names: c.430_431delinsT, p.Gly144fs (NM_002051.3); short protein forms G144fs.
Identifiers: ClinVar variation 3061035 (VCV003061035.2), dbSNP rs2491461857, ClinGen allele CA2740092964.
Genomic context (GRCh38, chr10:8,058,493, plus strand): 5'-CACGGCTCCCCGGGGCCCCTCTCCGTCTACCCCCCGGCCTCGTCCTCCTCCTTGTCGGGG[GG>T]CCACGCCAGCCCGCACCTCTTCACCTTCCCGCCCACCCCGCCGAAGGACGTCTCCCCGGA-3'

ClinVar aggregate classification (germline): Likely pathogenic (0 of 4 stars; one submission).

Conditions:
GATA3-related disorder. Also called: GATA3-related condition.

Submission:

PreventionGenetics, part of Exact Sciences
Classification: Likely pathogenic for GATA3-related condition. Last evaluated: 2024-01-19. Review status: no assertion criteria provided. Collection method: clinical testing. Allele origin: germline.
Comment: The GATA3 c.430_431delinsT variant is predicted to result in a frameshift and premature protein termination (p.Gly144Serfs*51). To our knowledge, this variant has not been reported in the literature or in a large population database, indicating this variant is rare. Frameshift variants in GATA3 are expected to be pathogenic. This variant is interpreted as likely pathogenic.